The following is an entry in ClinVar:

NM_006269.2(RP1):c.4681A>C (p.Lys1561Gln)

Gene: RP1 (RP1 axonemal microtubule associated; plus strand). Cytogenetic location: 8q12.1.
Variant type: single nucleotide variant.
Coding change: c.4681A>C on transcript NM_006269.2 (MANE Select); coding-DNA position 4681, A replaced by C.
Protein change: p.Lys1561Gln; replaces lysine 1561 with glutamine.
Molecular consequence: missense variant. On other transcripts: intron variant (1).
Genome position (GRCh38, 1-based): chr8:54,628,563, A>C. VCF-style: chr8-54628563-A-C. GRCh37 (hg19) VCF-style: chr8-55541123-A-C.
Other names: c.4681A>C (NM_006269.1); c.787+6275A>C (NM_001375654.1); short protein forms K1561Q.
Identifiers: ClinVar variation 1934433 (VCV001934433.7), dbSNP rs1806149261, ClinGen allele CA370982945.

ClinVar aggregate classification (germline): Uncertain significance. Review status: criteria provided, multiple submitters, no conflicts (2 of 4 stars). 3 submissions from 3 submitters: Uncertain significance (3). Last evaluated 2024-08-04.

Conditions:
Inborn genetic diseases. Identifiers: MedGen C0950123, MeSH D030342.

Allele frequency attached by ClinVar (database versions not stated): gnomAD exomes below 0.00001.
gnomAD v4.1: 3 of 1,614,028 alleles (0.00019%); highest among the groups gnomAD compares: Non-Finnish European, 0.00025%; no homozygotes.

Submissions (3):

Ambry Genetics
Classification: Uncertain significance for Inborn genetic diseases. Last evaluated: 2024-08-04. Review status: criteria provided, single submitter. Criteria: Ambry Variant Classification Scheme 2023. Collection method: clinical testing. Allele origin: germline.

Labcorp Genetics (formerly Invitae), Labcorp
Classification: Uncertain significance. Last evaluated: 2024-02-19. Review status: criteria provided, single submitter. Criteria: Invitae Variant Classification Sherloc (09022015). Collection method: clinical testing. Allele origin: germline.
Comment: This sequence change replaces lysine, which is basic and polar, with glutamine, which is neutral and polar, at codon 1561 of the RP1 protein (p.Lys1561Gln). This variant is not present in population databases (gnomAD no frequency). This variant has not been reported in the literature in individuals affected with RP1-related conditions. ClinVar contains an entry for this variant (Variation ID: 1934433). An algorithm developed to predict the effect of missense changes on protein structure and function (PolyPhen-2) suggests that this variant is likely to be disruptive. In summary, the available evidence is currently insufficient to determine the role of this variant in disease. Therefore, it has been classified as a Variant of Uncertain Significance.

Blueprint Genetics
Classification: Uncertain significance. Last evaluated: 2020-08-26. Review status: criteria provided, single submitter. Criteria: ACMG Guidelines, 2015. Collection method: clinical testing. Allele origin: germline.